The following is an entry in ClinVar:

NM_001376.5(DYNC1H1):c.13798A>C (p.Lys4600Gln)

Gene: DYNC1H1 (dynein cytoplasmic 1 heavy chain 1; plus strand). Cytogenetic location: 14q32.31.
Variant type: single nucleotide variant.
Coding change: c.13798A>C on transcript NM_001376.5 (MANE Select); coding-DNA position 13798, A replaced by C.
Protein change: p.Lys4600Gln; replaces lysine 4600 with glutamine.
Molecular consequence: missense variant.
Genome position (GRCh38, 1-based): chr14:102,050,184, A>C. VCF-style: chr14-102050184-A-C. GRCh37 (hg19) VCF-style: chr14-102516521-A-C.
Other names: short protein forms K4600Q.
Identifiers: ClinVar variation 408978 (VCV000408978.1), dbSNP rs1060502205, ClinGen allele CA16614055.

ClinVar aggregate classification (germline): Uncertain significance (1 of 4 stars; one submission).

Conditions:
Charcot-Marie-Tooth disease axonal type 2O. Also called: CHARCOT-MARIE-TOOTH NEUROPATHY, AXONAL, TYPE 2O; CHARCOT-MARIE-TOOTH DISEASE, AXONAL, AUTOSOMAL DOMINANT, TYPE 2O; Charcot-Marie-Tooth Neuropathy Type 2O; Charcot-Marie-Tooth disease, axonal, type 20. Identifiers: Orphanet 284232, MedGen C3280220, MONDO:0013644, OMIM 614228.

Submission:

Labcorp Genetics (formerly Invitae), Labcorp
Classification: Uncertain significance for Charcot-Marie-Tooth disease axonal type 2O. Last evaluated: 2016-11-26. Review status: criteria provided, single submitter. Criteria: Invitae Variant Classification Sherloc (09022015). Collection method: clinical testing. Allele origin: germline.
Comment: This sequence change replaces lysine with glutamine at codon 4600 of the DYNC1H1 protein (p.Lys4600Gln). The lysine residue is moderately conserved and there is a small physicochemical difference between lysine and glutamine. This variant is not present in population databases (ExAC no frequency) and has not been reported in the literature in individuals with a DYNC1H1-related disease. Algorithms developed to predict the effect of missense changes on protein structure and function (SIFT, PolyPhen-2, Align-GVGD) all suggest that this variant is likely to be tolerated, but these predictions have not been confirmed by published functional studies. In summary, this variant is a novel missense change that is not predicted to affect protein function. There is no indication that it causes disease, but the available evidence is currently insufficient to prove that conclusively. Therefore, it has been classified as a Variant of Uncertain Significance.